The following is an entry in ClinVar:

NM_000432.4(MYL2):c.142G>C (p.Asp48His)

Gene: MYL2 (myosin light chain 2; minus strand). Cytogenetic location: 12q24.11.
Variant type: single nucleotide variant.
Coding change: c.142G>C on transcript NM_000432.4 (MANE Select); coding-DNA position 142, G replaced by C.
Protein change: p.Asp48His; replaces aspartic acid 48 with histidine.
Molecular consequence: missense variant.
Genome position (GRCh38, 1-based): chr12:110,915,742, C>G on the plus strand (G>C on the coding strand, the complement: MYL2 is on the minus strand). VCF-style: chr12-110915742-C-G. GRCh37 (hg19) VCF-style: chr12-111353546-C-G.
Other names: short protein forms D48H.
Identifiers: ClinVar variation 924037 (VCV000924037.4), dbSNP rs727504405, ClinGen allele CA386699294.

ClinVar aggregate classification (germline): Uncertain significance (1 of 4 stars; one submission).

Conditions:
Cardiomyopathy (CMYO). Also called: Cardiomyopathies. Identifiers: Orphanet 167848, MedGen C0878544, MONDO:0004994, HP:0001638. Inheritance: Various modes of inheritance.

Allele frequency attached by ClinVar (database versions not stated): TOPMed 0.00001.

Submission:

Color Diagnostics, LLC DBA Color Health
Classification: Uncertain significance for Cardiomyopathy. Last evaluated: 2023-12-05. Review status: criteria provided, single submitter. Criteria: ACMG Guidelines, 2015. Collection method: clinical testing. Allele origin: germline.
Comment: This missense variant replaces aspartic acid with histidine at codon 48 of the MYL2 protein. Computational prediction suggests that this variant may have deleterious impact on protein structure and function (internally defined REVEL score threshold >= 0.7, PMID: 27666373). To our knowledge, functional studies have not been reported for this variant. This variant has not been reported in individuals affected with MYL2-related disorders in the literature. This variant has not been identified in the general population by the Genome Aggregation Database (gnomAD). The available evidence is insufficient to determine the role of this variant in disease conclusively. Therefore, this variant is classified as a Variant of Uncertain Significance.